The following is an entry in ClinVar:

ClinVar aggregate classification (germline): Uncertain significance. Review status: criteria provided, multiple submitters, no conflicts (2 of 4 stars). 2 submissions from 2 submitters: Uncertain significance (2). Last evaluated 2026-01-10.

Conditions:
Cardiovascular phenotype. Identifiers: MedGen CN230736.

Allele frequency attached by ClinVar (database versions not stated): gnomAD 0.00001.
gnomAD v4.1: 4 of 1,609,856 alleles (0.00025%); highest among the groups gnomAD compares: African/African-American, 0.004%; no homozygotes.

Submissions (2):

Labcorp Genetics (formerly Invitae), Labcorp
Classification: Uncertain significance. Last evaluated: 2026-01-10. Review status: criteria provided, single submitter. Criteria: Invitae Variant Classification Sherloc (09022015). Collection method: clinical testing. Allele origin: germline.
Comment: This sequence change replaces serine, which is neutral and polar, with phenylalanine, which is neutral and non-polar, at codon 616 of the ALPK3 protein (p.Ser616Phe). This variant is present in population databases (rs758630539, gnomAD 0.007%). This variant has not been reported in the literature in individuals affected with ALPK3-related conditions. ClinVar contains an entry for this variant (Variation ID: 2509606). Invitae Evidence Modeling of protein sequence and biophysical properties (such as structural, functional, and spatial information, amino acid conservation, physicochemical variation, residue mobility, and thermodynamic stability) indicates that this missense variant is expected to disrupt ALPK3 protein function with a positive predictive value of 80%. In summary, the available evidence is currently insufficient to determine the role of this variant in disease. Therefore, it has been classified as a Variant of Uncertain Significance.

Ambry Genetics
Classification: Uncertain significance for Cardiovascular phenotype. Last evaluated: 2024-01-11. Review status: criteria provided, single submitter. Criteria: Ambry Variant Classification Scheme 2023. Collection method: clinical testing. Allele origin: germline.
Comment: The p.S616F variant (also known as c.1847C>T), located in coding exon 5 of the ALPK3 gene, results from a C to T substitution at nucleotide position 1847. The serine at codon 616 is replaced by phenylalanine, an amino acid with highly dissimilar properties. This amino acid position is conserved. In addition, the in silico prediction for this alteration is inconclusive. Since supporting evidence is limited at this time, the clinical significance of this alteration remains unclear.

NM_020778.5(ALPK3):c.1241C>T (p.Ser414Phe)

Gene: ALPK3 (alpha kinase 3; plus strand). Cytogenetic location: 15q25.3.
Variant type: single nucleotide variant.
Coding change: c.1241C>T on transcript NM_020778.5 (MANE Select); coding-DNA position 1241, C replaced by T.
Protein change: p.Ser414Phe; replaces serine 414 with phenylalanine.
Molecular consequence: missense variant.
Genome position (GRCh38, 1-based): chr15:84,840,520, C>T. VCF-style: chr15-84840520-C-T. GRCh37 (hg19) VCF-style: chr15-85383751-C-T.
Other names: short protein forms S414F.
Identifiers: ClinVar variation 2509606 (VCV002509606.4), dbSNP rs758630539, ClinGen allele CA7709148.